The following is an entry in ClinVar:

NM_001001331.4(ATP2B2):c.3425G>A (p.Arg1142His)

Gene: ATP2B2 (ATPase plasma membrane Ca2+ transporting 2; minus strand). Cytogenetic location: 3p25.3.
Variant type: single nucleotide variant.
Coding change: c.3425G>A on transcript NM_001001331.4 (MANE Select); coding-DNA position 3425, G replaced by A.
Protein change: p.Arg1142His; replaces arginine 1142 with histidine.
Molecular consequence: missense variant. On other transcripts: 3 prime UTR variant (1), synonymous variant (1).
Genome position (GRCh38, 1-based): chr3:10,329,121, C>T on the plus strand (G>A on the coding strand, the complement: ATP2B2 is on the minus strand). VCF-style: chr3-10329121-C-T. GRCh37 (hg19) VCF-style: chr3-10370805-C-T.
Other names: c.*52G>A (NM_001330611.3); c.3290G>A, p.Arg1097His (NM_001353564.1, NM_001683.5); c.3462G>A, p.Pro1154= (NM_001363862.1); short protein forms R1142H, R1097H.
Identifiers: ClinVar variation 3131540 (VCV003131540.2), dbSNP rs779884532, ClinGen allele CA2253072.

ClinVar aggregate classification (germline): Uncertain significance. Review status: criteria provided, multiple submitters, no conflicts (2 of 4 stars). 2 submissions from 2 submitters: Uncertain significance (2). Last evaluated 2026-06-16.

Conditions:
Hearing loss, autosomal dominant 82. Also called: Deafness, autosomal dominant 82. Identifiers: MedGen C5676948, MONDO:0030719, OMIM 619804.

Allele frequency attached by ClinVar (database versions not stated): TOPMed below 0.00001; gnomAD 0.00001; gnomAD exomes 0.00001; ExAC 0.00002.
gnomAD v4.1: 9 of 1,537,692 alleles (0.00059%); highest among the groups gnomAD compares: South Asian, 0.0033%; no homozygotes.

Submissions (2):

Victorian Clinical Genetics Services, Murdoch Childrens Research Institute
Classification: Uncertain significance for Hearing loss, autosomal dominant 82. Last evaluated: 2026-06-16. Review status: criteria provided, single submitter. Criteria: ACMG Guidelines, 2015. Collection method: clinical testing. Allele origin: germline. Affected: yes.
Comment: This variant is classified as VUS-3B. Evidence in support of pathogenic classification: Variant is present in gnomAD <0.001 for a dominant condition (v4: 9 heterozygote(s), 0 homozygote(s)); Missense variant predicted to be damaging by in silico tool(s) or highly conserved with a major amino acid change. Additional information: Variant is predicted to result in a missense amino acid change from Arg to His; This variant is heterozygous; This gene is associated with autosomal dominant disease; Alternative amino acid change(s) at the same position are present in gnomAD (highest allele count: v4: 3 heterozygote(s), 0 homozygote(s)); Previous evidence of pathogenicity for this variant is inconclusive. This variant has been classified as a VUS by a clinical laboratory in ClinVar. - No published evidence of segregation with disease has been identified for this variant; No published functional evidence has been identified for this variant; No comparable missense variants have previous evidence for pathogenicity; Variant is located in the annotated plasma membrane calcium transporter ATPase C terminal domain (DECIPHER); Loss of function and gain of function are known mechanisms of disease in this gene. Variants predicted to result in nonsense mediated decay are associated with deafness 82 (MIM#82619804). Truncating and missense variants are associated with neurodevelopmental disorder (MONDO:0700092), ATP2B2-related (PMID: 37675773); Inheritance information for this variant is not currently available in this individual.

Ambry Genetics
Classification: Uncertain significance. Last evaluated: 2024-03-07. Review status: criteria provided, single submitter. Criteria: Ambry Variant Classification Scheme 2023. Collection method: clinical testing. Allele origin: germline.

Literature cited by the submitters: PubMed 37675773 (cited by Victorian Clinical Genetics Services, Murdoch Childrens Research Institute).